The following is an entry in ClinVar:

ClinVar aggregate classification (germline): Likely benign. Review status: criteria provided, multiple submitters, no conflicts (2 of 4 stars). 3 submissions from 3 submitters: Likely benign (2). 1 of the submissions does not count toward it. Last evaluated 2024-12-24.

Conditions:
Familial X-linked hypophosphatemic vitamin D refractory rickets (XLHRD). Also called: Hypophosphatemic Rickets, X-Linked Dominant; X-Linked Hypophosphatemia; Hypophosphatemia, vitamin D-resistant rickets; Vitamin D-resistant rickets, X-linked; HYPOPHOSPHATEMIC VITAMIN D-RESISTANT RICKETS. Identifiers: Orphanet 89936, MedGen C0733682, MONDO:0010619, OMIM 307800.
PHEX-related disorder. Also called: PHEX-related condition.

Allele frequency attached by ClinVar (database versions not stated): TOPMed 0.00003; ExAC 0.00005.

Submissions (3):

Labcorp Genetics (formerly Invitae), Labcorp
Classification: Likely benign. Last evaluated: 2024-12-24. Review status: criteria provided, single submitter. Criteria: Invitae Variant Classification Sherloc (09022015). Collection method: clinical testing. Allele origin: germline.

Fulgent Genetics
Classification: Likely benign for Familial X-linked hypophosphatemic vitamin D refractory rickets. Last evaluated: 2024-06-07. Review status: criteria provided, single submitter. Criteria: ACMG Guidelines, 2015. Collection method: clinical testing. Allele origin: germline.

PreventionGenetics, part of Exact Sciences
Classification: Likely benign for PHEX-related condition. Last evaluated: 2020-02-05. Review status: no assertion criteria provided. Collection method: clinical testing. Allele origin: germline. Not counted in ClinVar's aggregate classification.
Comment: This variant is classified as likely benign based on ACMG/AMP sequence variant interpretation guidelines (Richards et al. 2015 PMID: 25741868, with internal and published modifications).

NM_000444.6(PHEX):c.1900-6_1900-3dup

Genes: PHEX (phosphate regulating endopeptidase X-linked; plus strand), PTCHD1-AS (PTCHD1 and PHEX antisense RNA; minus strand). Cytogenetic location: Xp22.11.
Variant type: Duplication.
Coding change: c.1900-6_1900-3dup on transcript NM_000444.6 (MANE Select); 6 bases into the intron before coding-DNA position 1900 through 3 bases into the intron before coding-DNA position 1900, 4 bases duplicated (TGTT; older notation c.1900-6_1900-3dupTGTT).
Molecular consequence: intron variant.
Genome position (GRCh38, 1-based): chrX:22,226,437-22,226,440, TGTT duplicated. VCF-style (leftmost placement, unchanged base first): chrX-22226436-C-CTGTT. GRCh37 (hg19) VCF-style: chrX-22244553-C-CTGTT.
Other names: c.1900-6_1900-3dup (NM_001282754.2); c.1900-6_1900-3dupTGTT (NM_000444.5).
Identifiers: ClinVar variation 2895770 (VCV002895770.6), dbSNP rs745411729, ClinGen allele CA10368376.